The following is an entry in ClinVar:

NM_144498.4(OSBPL2):c.1380C>T (p.Pro460=)

Gene: OSBPL2 (oxysterol binding protein like 2; plus strand). Cytogenetic location: 20q13.33.
Variant type: single nucleotide variant.
Coding change: c.1380C>T on transcript NM_144498.4 (MANE Select); coding-DNA position 1380, C replaced by T.
Protein change: p.Pro460=; no amino-acid change (proline 460 retained).
Molecular consequence: synonymous variant. On other transcripts: missense variant (1).
Genome position (GRCh38, 1-based): chr20:62,293,824, C>T. VCF-style: chr20-62293824-C-T. GRCh37 (hg19) VCF-style: chr20-60868880-C-T.
Other names: c.980C>T, p.Pro327Leu (NM_001278649.3); c.1104C>T, p.Pro368= (NM_001363878.2); c.1344C>T, p.Pro448= (NM_014835.5); c.980C>T (NM_001278649.1); short protein forms P327L.
Identifiers: ClinVar variation 1635259 (VCV001635259.9), dbSNP rs368486901, ClinGen allele CA9938821.

ClinVar aggregate classification (germline): Conflicting classifications of pathogenicity. Review status: criteria provided, conflicting classifications (1 of 4 stars). 2 submissions from 2 submitters: Uncertain significance (1); Likely benign (1). Last evaluated 2026-01-05.

Conditions:
OSBPL2-related disorder. Also called: OSBPL2-related condition.

Allele frequency attached by ClinVar (database versions not stated): TOPMed 0.00003; gnomAD exomes 0.00004; ESP Exome Variant Server 0.00008; ExAC 0.00004; gnomAD 0.00004.
gnomAD v4.1: 47 of 1,614,026 alleles (0.0029%); highest among the groups gnomAD compares: Middle Eastern, 0.016%; no homozygotes.

Submissions (2):

PreventionGenetics, part of Exact Sciences
Classification: Uncertain significance for OSBPL2-related condition. Last evaluated: 2026-01-05. Review status: criteria provided, single submitter. Criteria: ACMG Guidelines, 2015. Collection method: clinical testing. Allele origin: germline.
Comment: The OSBPL2 c.980C>T variant is predicted to result in the amino acid substitution p.Pro327Leu. This variant is synonymous in an alternative transcript NM_144498:c.1380C>T (p.=) and is not predicted to alter splicing based on available splicing prediction software (SpliceAI, Jaganathan et al. 2019. PubMed ID: 30661751). To our knowledge, this variant has not been reported in the literature. This variant is reported in 0.0065% of alleles in individuals of South Asian descent in gnomAD. At this time, the clinical significance of this variant is uncertain due to the absence of conclusive functional and genetic evidence.

Labcorp Genetics (formerly Invitae), Labcorp
Classification: Likely benign. Last evaluated: 2022-03-09. Review status: criteria provided, single submitter. Criteria: Invitae Variant Classification Sherloc (09022015). Collection method: clinical testing. Allele origin: germline.